The following is an entry in ClinVar:

NM_001853.4(COL9A3):c.1940C>T (p.Pro647Leu)

Gene: COL9A3 (collagen type IX alpha 3 chain; plus strand). Cytogenetic location: 20q13.33.
Variant type: single nucleotide variant.
Coding change: c.1940C>T on transcript NM_001853.4 (MANE Select); coding-DNA position 1940, C replaced by T.
Protein change: p.Pro647Leu; replaces proline 647 with leucine.
Molecular consequence: missense variant.
Genome position (GRCh38, 1-based): chr20:62,840,617, C>T. VCF-style: chr20-62840617-C-T. GRCh37 (hg19) VCF-style: chr20-61471969-C-T.
Other names: c.1940C>T (NM_001853.3); short protein forms P647L.
Identifiers: ClinVar variation 2088838 (VCV002088838.5), dbSNP rs746563077, ClinGen allele CA9950267.

ClinVar aggregate classification (germline): Uncertain significance. Review status: criteria provided, multiple submitters, no conflicts (2 of 4 stars). 2 submissions from 2 submitters: Uncertain significance (2). Last evaluated 2025-05-20.

Conditions:
Inborn genetic diseases. Identifiers: MedGen C0950123, MeSH D030342.

Allele frequency attached by ClinVar (database versions not stated): gnomAD exomes below 0.00001; ExAC 0.00001; gnomAD 0.00001; TOPMed 0.00001.
gnomAD v4.1: 4 of 1,613,202 alleles (0.00025%); highest among the groups gnomAD compares: African/African-American, 0.004%; no homozygotes.

Submissions (2):

Ambry Genetics
Classification: Uncertain significance for Inborn genetic diseases. Last evaluated: 2025-05-20. Review status: criteria provided, single submitter. Criteria: Ambry Variant Classification Scheme 2023. Collection method: clinical testing. Allele origin: germline.

Labcorp Genetics (formerly Invitae), Labcorp
Classification: Uncertain significance. Last evaluated: 2022-11-29. Review status: criteria provided, single submitter. Criteria: Invitae Variant Classification Sherloc (09022015). Collection method: clinical testing. Allele origin: germline.
Comment: This sequence change replaces proline, which is neutral and non-polar, with leucine, which is neutral and non-polar, at codon 647 of the COL9A3 protein (p.Pro647Leu). This variant is present in population databases (rs746563077, gnomAD 0.008%). This variant has not been reported in the literature in individuals affected with COL9A3-related conditions. Advanced modeling of protein sequence and biophysical properties (such as structural, functional, and spatial information, amino acid conservation, physicochemical variation, residue mobility, and thermodynamic stability) performed at Invitae indicates that this missense variant is not expected to disrupt COL9A3 protein function. In summary, the available evidence is currently insufficient to determine the role of this variant in disease. Therefore, it has been classified as a Variant of Uncertain Significance.